The following is an entry in ClinVar:

ClinVar aggregate classification (germline): Likely pathogenic. Review status: criteria provided, multiple submitters, no conflicts (2 of 4 stars). 2 submissions from 2 submitters: Likely pathogenic (2). Last evaluated 2025-12-08.

Conditions:
Asphyxiating thoracic dystrophy 3. Also called: SHORT-RIB THORACIC DYSPLASIA 3 WITH OR WITHOUT POLYDACTYLY; SHORT-RIB THORACIC DYSPLASIA 3/6 WITH POLYDACTYLY, DIGENIC; Short rib polydactyly syndrome 2B; Saldino-Noonan Syndrome; POLYDACTYLY WITH NEONATAL CHONDRODYSTROPHY, TYPE I. Identifiers: Orphanet 474, Orphanet 93269, Orphanet 93270, Orphanet 93271, MedGen C0036069, MONDO:0013127, OMIM 613091.
Jeune thoracic dystrophy. Also called: Short-rib thoracic dysplasia; Jeune syndrome; Infantile thoracic dystrophy; Thoracic pelvic phalangeal dystrophy; Jeune's syndrome; Chondroectodermal dysplasia-like syndrome. Identifiers: Orphanet 474, MedGen C0265275, MONDO:0018770.

Allele frequency attached by ClinVar (database versions not stated): gnomAD 0.00001 and 0.00002; TOPMed 0.00001.
gnomAD v4.1: 21 of 1,509,684 alleles (0.0014%); highest among the groups gnomAD compares: Non-Finnish European, 0.0018%; no homozygotes.

Submissions (2):

Labcorp Genetics (formerly Invitae), Labcorp
Classification: Likely pathogenic for Jeune thoracic dystrophy. Last evaluated: 2025-12-08. Review status: criteria provided, single submitter. Criteria: Invitae Variant Classification Sherloc (09022015). Collection method: clinical testing. Allele origin: germline.
Comment: This sequence change affects a donor splice site in intron 54 of the DYNC2H1 gene. It is expected to disrupt RNA splicing. Variants that disrupt the donor or acceptor splice site typically lead to a loss of protein function (PMID: 16199547), and loss-of-function variants in DYNC2H1 are known to be pathogenic (PMID: 23339108, 32753734, 33755199). The frequency data for this variant in the population databases is considered unreliable, as metrics indicate poor data quality at this position in the gnomAD database. This variant has not been reported in the literature in individuals affected with DYNC2H1-related conditions. ClinVar contains an entry for this variant (Variation ID: 1507189). Algorithms developed to predict the effect of sequence changes on RNA splicing suggest that this variant may disrupt the consensus splice site. In summary, the currently available evidence indicates that the variant is pathogenic, but additional data are needed to prove that conclusively. Therefore, this variant has been classified as Likely Pathogenic.

Myriad Genetics, Inc.
Classification: Likely pathogenic for Asphyxiating thoracic dystrophy 3. Last evaluated: 2025-09-22. Review status: criteria provided, single submitter. Criteria: Myriad Autosomal Dominant, Autosomal Recessive and X-Linked Classification Criteria (2023). Collection method: clinical testing. Allele origin: unknown.
Comment: NM_001377.2(DYNC2H1):c.8694+1G>T is a variant in a canonical splice site classified as likely pathogenic in the context of DYNC2H1-related disorders. c.8694+1G>T has not been observed in cases with relevant disease. Relevant functional assessments of this variant are not available in the literature. c.8694+1G>T has been observed in referenced population frequency databases. In summary, NM_001377.2(DYNC2H1):c.8694+1G>T is a variant in a canonical splice site in a gene where loss of function is a known mechanism of disease and is predicted to disrupt protein function. Please note: this variant was assessed in the context of healthy population screening.

Literature cited by the submitters: PubMed 16199547 (cited by Labcorp Genetics (formerly Invitae), Labcorp); PubMed 23339108 (cited by Labcorp Genetics (formerly Invitae), Labcorp); PubMed 32753734 (cited by Labcorp Genetics (formerly Invitae), Labcorp); PubMed 33755199 (cited by Labcorp Genetics (formerly Invitae), Labcorp).

NM_001377.3(DYNC2H1):c.8694+1G>T

Gene: DYNC2H1 (dynein cytoplasmic 2 heavy chain 1; plus strand). Cytogenetic location: 11q22.3.
Variant type: single nucleotide variant.
Coding change: c.8694+1G>T on transcript NM_001377.3 (MANE Select); the canonical splice donor site of the intron after coding-DNA position 8694, G replaced by T.
Molecular consequence: splice donor variant.
Genome position (GRCh38, 1-based): chr11:103,211,944, G>T. VCF-style: chr11-103211944-G-T. GRCh37 (hg19) VCF-style: chr11-103082673-G-T.
Other names: c.8694+1G>T (NM_001080463.2).
Identifiers: ClinVar variation 1507189 (VCV001507189.9), dbSNP rs1455606327, ClinGen allele CA382260831.